The following is an entry in ClinVar:

ClinVar aggregate classification (germline): Pathogenic (1 of 4 stars; one submission).

Conditions:
Primary ciliary dyskinesia 11. Also called: CILIARY DYSKINESIA, PRIMARY, 11, WITHOUT SITUS INVERSUS. Identifiers: Orphanet 244, MedGen C2675229, MONDO:0012978, OMIM 612649.

gnomAD v4.1: 15 of 1,614,180 alleles (0.00093%); highest among the groups gnomAD compares: Non-Finnish European, 0.0013%; no homozygotes.

Submission:

Molecular Genetics Laboratory, Motol Hospital
Classification: Pathogenic for Primary ciliary dyskinesia 11. Last evaluated: 2025-01-24. Review status: criteria provided, single submitter. Criteria: ACMG Guidelines, 2015. Collection method: clinical testing. Allele origin: germline. Affected: yes. Observed: 1 variant allele.
Comment: This variant was found to be in a compound heterozygous state together with other rare, pathogenic truncating variant NM_001010892.2:c.1468C>T (ClinVar Variation ID: 505). Rare truncating variants affecting the RSPH4A gene are documented as a molecular cause of autosomal recessive "primary ciliary dyskinesia 11" (PCD11; MIM:612649; PMID:19200523;PMID:23993197;PMID:22448264). To conclude, the variant is classified as pathogenic (ACMG PVS1, PM2, PM3).

Literature cited by the submitters: PubMed 19200523; PubMed 23993197; PubMed 22448264.

NM_001010892.3(RSPH4A):c.160C>T (p.Gln54Ter)

Genes: RSPH4A (radial spoke head component 4A; plus strand), LOC129997052 (ATAC-STARR-seq lymphoblastoid active region 24998; plus strand). Cytogenetic location: 6q22.1.
Variant type: single nucleotide variant.
Coding change: c.160C>T on transcript NM_001010892.3 (MANE Select); coding-DNA position 160, C replaced by T.
Protein change: p.Gln54Ter; replaces glutamine 54 with a stop codon.
Molecular consequence: nonsense.
Genome position (GRCh38, 1-based): chr6:116,616,783, C>T. VCF-style: chr6-116616783-C-T. GRCh37 (hg19) VCF-style: chr6-116937946-C-T.
Other names: c.160C>T, p.Gln54Ter (NM_001161664.2); short protein forms Q54*.
Identifiers: ClinVar variation 3600353 (VCV003600353.2).